The following is an entry in ClinVar:

ClinVar aggregate classification (germline): Uncertain significance (1 of 4 stars; one submission).

Submission:

GeneDx
Classification: Uncertain significance. Last evaluated: 2025-02-04. Review status: criteria provided, single submitter. Criteria: GeneDx Variant Classification Process June 2021. Collection method: clinical testing. Allele origin: germline. Affected: yes.
Comment: Not observed at significant frequency in large population cohorts (gnomAD); In silico analysis indicates that this missense variant does not alter protein structure/function; Has not been previously published as pathogenic or benign to our knowledge

NM_001170629.2(CHD8):c.6613C>A (p.Pro2205Thr)

Gene: CHD8 (chromodomain helicase DNA binding protein 8; minus strand). Cytogenetic location: 14q11.2.
Variant type: single nucleotide variant.
Coding change: c.6613C>A on transcript NM_001170629.2 (MANE Select); coding-DNA position 6613, C replaced by A.
Protein change: p.Pro2205Thr; replaces proline 2205 with threonine.
Molecular consequence: missense variant.
Genome position (GRCh38, 1-based): chr14:21,392,665, G>T on the plus strand (C>A on the coding strand, the complement: CHD8 is on the minus strand). VCF-style: chr14-21392665-G-T. GRCh37 (hg19) VCF-style: chr14-21860824-G-T.
Other names: c.5776C>A, p.Pro1926Thr (NM_020920.4); short protein forms P1926T, P2205T.
Identifiers: ClinVar variation 4072645 (VCV004072645.1).